The following is an entry in ClinVar:

NM_000380.4(XPA):c.283+6G>A

Gene: XPA (XPA, DNA damage recognition and repair factor; minus strand). Cytogenetic location: 9q22.33.
Variant type: single nucleotide variant.
Coding change: c.283+6G>A on transcript NM_000380.4 (MANE Select); 6 bases into the intron after coding-DNA position 283, G replaced by A.
Molecular consequence: intron variant.
Genome position (GRCh38, 1-based): chr9:97,693,643, C>T on the plus strand (G>A on the coding strand, the complement: XPA is on the minus strand). VCF-style: chr9-97693643-C-T. GRCh37 (hg19) VCF-style: chr9-100455925-C-T.
Other names: c.157+6G>A (NM_001354975.2).
Identifiers: ClinVar variation 1972955 (VCV001972955.5), dbSNP rs375496325, ClinGen allele CA5148870.
Genomic context (GRCh38, chr9:97,693,643, plus strand): 5'-CATAGAATTATGCATGTTACTCAAAATAACCAATCTAGATACTTATTTTTGAAAAACTCA[C>T]TTTACCTGGTTGATGAACAACTTTTCCAATTTTCTGTTCTTCTTCTTCTTCCTCTTCTAA-3'

ClinVar aggregate classification (germline): Uncertain significance (1 of 4 stars; one submission).

Allele frequency attached by ClinVar (database versions not stated): TOPMed below 0.00001; ExAC 0.00001; gnomAD exomes 0.00001; ESP Exome Variant Server 0.00008.
gnomAD v4.1: 14 of 1,613,032 alleles (0.00087%); highest among the groups gnomAD compares: Non-Finnish European, 0.0011%; no homozygotes.

Submission:

Labcorp Genetics (formerly Invitae), Labcorp
Classification: Uncertain significance. Last evaluated: 2022-10-02. Review status: criteria provided, single submitter. Criteria: Invitae Variant Classification Sherloc (09022015). Collection method: clinical testing. Allele origin: germline.
Comment: In summary, the available evidence is currently insufficient to determine the role of this variant in disease. Therefore, it has been classified as a Variant of Uncertain Significance. Variants that disrupt the consensus splice site are a relatively common cause of aberrant splicing (PMID: 17576681, 9536098). Algorithms developed to predict the effect of sequence changes on RNA splicing suggest that this variant may disrupt the consensus splice site. This variant has not been reported in the literature in individuals affected with XPA-related conditions. This variant is present in population databases (rs375496325, gnomAD 0.0009%). This sequence change falls in intron 2 of the XPA gene. It does not directly change the encoded amino acid sequence of the XPA protein. It affects a nucleotide within the consensus splice site.

Literature cited by the submitters: PubMed 17576681; PubMed 9536098.